The following is an entry in ClinVar:

NM_001384140.1(PCDH15):c.4944T>C (p.Asn1648=)

Gene: PCDH15 (protocadherin related 15; minus strand). Cytogenetic location: 10q21.1.
Variant type: single nucleotide variant.
Coding change: c.4944T>C on transcript NM_001384140.1 (MANE Select); coding-DNA position 4944, T replaced by C.
Protein change: p.Asn1648=; no amino-acid change (asparagine 1648 retained).
Molecular consequence: synonymous variant.
Genome position (GRCh38, 1-based): chr10:53,806,858, A>G on the plus strand (T>C on the coding strand, the complement: PCDH15 is on the minus strand). VCF-style: chr10-53806858-A-G. GRCh37 (hg19) VCF-style: chr10-55566618-A-G.
Other names: c.4878T>C (NM_001354429.1); c.4770T>C, p.Asn1590= (NM_001142771.2); c.4755T>C, p.Asn1585= (NM_001142772.2); c.4749T>C, p.Asn1583= (NM_001354420.2); c.4878T>C, p.Asn1626= (NM_001354429.2).
Identifiers: ClinVar variation 4907330 (VCV004907330.2).

ClinVar aggregate classification (germline): Likely benign. Review status: criteria provided, multiple submitters, no conflicts (2 of 4 stars). 2 submissions from 2 submitters: Likely benign (2). Last evaluated 2026-07-13.

Conditions:
PCDH15-related disorder. Also called: PCDH15-related disorders; PCDH15-related condition.

gnomAD v4.1: 25 of 1,613,682 alleles (0.0015%); highest among the groups gnomAD compares: Non-Finnish European, 0.0021%; no homozygotes.

Submissions (2):

PreventionGenetics, part of Exact Sciences
Classification: Likely benign for PCDH15-related condition. Last evaluated: 2026-07-13. Review status: criteria provided, single submitter. Criteria: ACMG Guidelines, 2015. Collection method: clinical testing. Allele origin: germline.
Comment: This variant is classified as likely benign based on ACMG/AMP sequence variant interpretation guidelines (Richards et al. 2015 PMID: 25741868, with internal and published modifications).

Blueprint Genetics
Classification: Likely benign. Last evaluated: 2024-06-19. Review status: criteria provided, single submitter. Criteria: ACMG Guidelines, 2015. Collection method: clinical testing. Allele origin: germline.